The following is an entry in ClinVar:

ClinVar aggregate classification (germline): not provided (0 of 4 stars; one submission).

Conditions:
Gestational diabetes mellitus uncontrolled. Identifiers: MedGen C3532257.

Submission:

Institute of Molecular and Cell Biology, University of Tartu
No classification provided. Condition: Gestational diabetes mellitus uncontrolled. Review status: no classification provided. Collection method: case-control. Allele origin: unknown. Affected: yes. Study: Kasak2014.
Comment: The study aimed to determine the contribution of copy number variants in the genetic etiology of normal and complicated pregnancies. The samples represented (i) maternal blood DNA drawn from healthy pregnant women during 1st or 2nd trimester and (ii) maternal and paternal blood DNA drawn at term pregnancy cases representing normal and complicated gestations (severe preeclampsia, PE; gestational diabetes, GD; small-for-gestational age newborn, SGA; large-for-gestational age newborn, LGA). We performed CNV calling based on genome-wide genotyping dataset (Illumina HumanOmniExpress-24-v1 BeadChip) by applying three algorithms, QuantiSNP, GADA (Genome Alteration Detection Algorithm) and CNstream in parallel. The acquired CNV calls were merged with HD-CNV (Hotspot Detector for Copy Number Variants) program and only the CNVs predicted by at least two programs, were considered in subsequent analysis.

Literature cited by the submitters: PubMed 25666259.

Single allele

Genes: NEFL (neurofilament light chain; minus strand), NEFM (neurofilament medium chain; plus strand). Cytogenetic location: 8p21.2.
Variant type: Duplication.
Identifiers: ClinVar variation 157113 (VCV000157113.2).